The following is an entry in ClinVar:

NM_001256545.2(MEGF10):c.1685G>A (p.Gly562Glu)

Gene: MEGF10 (multiple EGF like domains 10; plus strand). Cytogenetic location: 5q23.2.
Variant type: single nucleotide variant.
Coding change: c.1685G>A on transcript NM_001256545.2 (MANE Select); coding-DNA position 1685, G replaced by A.
Protein change: p.Gly562Glu; replaces glycine 562 with glutamic acid.
Molecular consequence: missense variant.
Genome position (GRCh38, 1-based): chr5:127,422,764, G>A. VCF-style: chr5-127422764-G-A. GRCh37 (hg19) VCF-style: chr5-126758456-G-A.
Other names: c.1685G>A, p.Gly562Glu (NM_001308119.2, NM_001308121.2, NM_032446.3); short protein forms G562E.
Identifiers: ClinVar variation 1375167 (VCV001375167.6), dbSNP rs2126979792, ClinGen allele CA360730693.

ClinVar aggregate classification (germline): Uncertain significance (1 of 4 stars; one submission).

Conditions:
MEGF10-related myopathy (CMYO10A). Also called: Congenital myopathy 10A, severe variant. Identifiers: Orphanet 439212, MedGen C3280679, MONDO:0013731, OMIM 614399.

Submission:

Labcorp Genetics (formerly Invitae), Labcorp
Classification: Uncertain significance for MEGF10-related myopathy. Last evaluated: 2021-08-15. Review status: criteria provided, single submitter. Criteria: Invitae Variant Classification Sherloc (09022015). Collection method: clinical testing. Allele origin: germline.
Comment: Algorithms developed to predict the effect of missense changes on protein structure and function (SIFT, PolyPhen-2, Align-GVGD) all suggest that this variant is likely to be disruptive. In summary, the available evidence is currently insufficient to determine the role of this variant in disease. Therefore, it has been classified as a Variant of Uncertain Significance. This variant has not been reported in the literature in individuals affected with MEGF10-related conditions. This variant is not present in population databases (ExAC no frequency). This sequence change replaces glycine with glutamic acid at codon 562 of the MEGF10 protein (p.Gly562Glu). The glycine residue is highly conserved and there is a moderate physicochemical difference between glycine and glutamic acid.